The following is an entry in ClinVar:

NM_005751.5(AKAP9):c.1829T>G (p.Val610Gly)

Gene: AKAP9 (A-kinase anchoring protein 9; plus strand). Cytogenetic location: 7q21.2.
Variant type: single nucleotide variant.
Coding change: c.1829T>G on transcript NM_005751.5 (MANE Select); coding-DNA position 1829, T replaced by G.
Protein change: p.Val610Gly; replaces valine 610 with glycine.
Molecular consequence: missense variant.
Genome position (GRCh38, 1-based): chr7:92,001,746, T>G. VCF-style: chr7-92001746-T-G. GRCh37 (hg19) VCF-style: chr7-91631060-T-G.
Other names: c.1829T>G, p.Val610Gly (NM_147185.3); short protein forms V610G.
Identifiers: ClinVar variation 3698810 (VCV003698810.2).

ClinVar aggregate classification (germline): Uncertain significance (1 of 4 stars; one submission).

Conditions:
Long QT syndrome (LQTS). Identifiers: MedGen C0023976, MeSH D008133, MONDO:0002442. Disease mechanism: loss of function. Inheritance: Various modes of inheritance.

gnomAD v4.1: 1 of 1,613,328 alleles (0.000062%); highest among the groups gnomAD compares: Admixed American, 0.0017%; no homozygotes.

Submission:

Labcorp Genetics (formerly Invitae), Labcorp
Classification: Uncertain significance for Long QT syndrome. Last evaluated: 2024-07-30. Review status: criteria provided, single submitter. Criteria: Invitae Variant Classification Sherloc (09022015). Collection method: clinical testing. Allele origin: germline.
Comment: This sequence change replaces valine, which is neutral and non-polar, with glycine, which is neutral and non-polar, at codon 610 of the AKAP9 protein (p.Val610Gly). This variant is present in population databases (no rsID available, gnomAD 0.003%). This variant has not been reported in the literature in individuals affected with AKAP9-related conditions. An algorithm developed to predict the effect of missense changes on protein structure and function (PolyPhen-2) suggests that this variant is likely to be disruptive. In summary, the available evidence is currently insufficient to determine the role of this variant in disease. Therefore, it has been classified as a Variant of Uncertain Significance.